The following is an entry in ClinVar:

NM_001655.5(ARCN1):c.1209A>C (p.Glu403Asp)

Gene: ARCN1 (archain 1 coat protein complex I subunit delta; plus strand). Cytogenetic location: 11q23.3.
Variant type: single nucleotide variant.
Coding change: c.1209A>C on transcript NM_001655.5 (MANE Select); coding-DNA position 1209, A replaced by C.
Protein change: p.Glu403Asp; replaces glutamic acid 403 with aspartic acid.
Molecular consequence: missense variant.
Genome position (GRCh38, 1-based): chr11:118,593,666, A>C. VCF-style: chr11-118593666-A-C. GRCh37 (hg19) VCF-style: chr11-118464381-A-C.
Other names: c.945A>C, p.Glu315Asp (NM_001142281.2, NM_001425081.1); c.1209A>C, p.Glu403Asp (NM_001425073.1, NM_001425078.1); c.1206A>C, p.Glu402Asp (NM_001425074.1, NM_001425079.1); c.1152A>C, p.Glu384Asp (NM_001425075.1); c.1140A>C, p.Glu380Asp (NM_001425076.1); c.1044A>C, p.Glu348Asp (NM_001425077.1); c.765A>C, p.Glu255Asp (NM_001425080.1); short protein forms E255D, E315D, E348D, E380D, E384D, E402D, E403D.
Identifiers: ClinVar variation 3067619 (VCV003067619.21), dbSNP rs1555076691, ClinGen allele CA382814428.

ClinVar aggregate classification (germline): Uncertain significance (1 of 4 stars; one submission).

Submission:

CeGaT Center for Human Genetics Tuebingen
Classification: Uncertain significance. Last evaluated: 2024-03-01. Review status: criteria provided, single submitter. Criteria: CeGaT Center For Human Genetics Tuebingen Variant Classification Criteria Version 2. Collection method: clinical testing. Allele origin: germline. Affected: yes. Observed: 1 variant allele.
Comment: ARCN1: PM2, PS2:Moderate, BP1